The following is an entry in ClinVar:

ClinVar aggregate classification (germline): Uncertain significance (1 of 4 stars; one submission).

Conditions:
Leber congenital amaurosis 6 (LCA6). Identifiers: Orphanet 65, MedGen C1854260, MONDO:0013446, OMIM 613826.
Cone-rod dystrophy 13 (CORD13). Identifiers: Orphanet 1872, MedGen C2750720, MONDO:0011987, OMIM 608194.

Allele frequency attached by ClinVar (database versions not stated): gnomAD exomes below 0.00001; gnomAD 0.00001.
gnomAD v4.1: 6 of 1,613,752 alleles (0.00037%); highest among the groups gnomAD compares: South Asian, 0.0011%; no homozygotes.

Submission:

Labcorp Genetics (formerly Invitae), Labcorp
Classification: Uncertain significance for Leber congenital amaurosis 6; Cone-rod dystrophy 13. Last evaluated: 2021-01-29. Review status: criteria provided, single submitter. Criteria: Invitae Variant Classification Sherloc (09022015). Collection method: clinical testing. Allele origin: germline.
Comment: In summary, the available evidence is currently insufficient to determine the role of this variant in disease. Therefore, it has been classified as a Variant of Uncertain Significance. Algorithms developed to predict the effect of missense changes on protein structure and function (SIFT, PolyPhen-2, Align-GVGD) all suggest that this variant is likely to be tolerated, but these predictions have not been confirmed by published functional studies and their clinical significance is uncertain. This variant has not been reported in the literature in individuals with RPGRIP1-related conditions. This variant is not present in population databases (ExAC no frequency). This sequence change replaces serine with glycine at codon 223 of the RPGRIP1 protein (p.Ser223Gly). The serine residue is weakly conserved and there is a small physicochemical difference between serine and glycine.

NM_020366.4(RPGRIP1):c.667A>G (p.Ser223Gly)

Gene: RPGRIP1 (RPGR interacting protein 1; plus strand). Cytogenetic location: 14q11.2.
Variant type: single nucleotide variant.
Coding change: c.667A>G on transcript NM_020366.4 (MANE Select); coding-DNA position 667, A replaced by G.
Protein change: p.Ser223Gly; replaces serine 223 with glycine.
Molecular consequence: missense variant.
Genome position (GRCh38, 1-based): chr14:21,303,410, A>G. VCF-style: chr14-21303410-A-G. GRCh37 (hg19) VCF-style: chr14-21771569-A-G.
Other names: short protein forms S223G.
Identifiers: ClinVar variation 1397144 (VCV001397144.6), dbSNP rs1285531904, ClinGen allele CA388860624.